The following is an entry in ClinVar:

NM_003227.4(TFR2):c.1767+1G>T

Gene: TFR2 (transferrin receptor 2; minus strand). Cytogenetic location: 7q22.1.
Variant type: single nucleotide variant.
Coding change: c.1767+1G>T on transcript NM_003227.4 (MANE Select); the canonical splice donor site of the intron after coding-DNA position 1767, G replaced by T.
Molecular consequence: splice donor variant.
Genome position (GRCh38, 1-based): chr7:100,627,576, C>A on the plus strand (G>T on the coding strand, the complement: TFR2 is on the minus strand). VCF-style: chr7-100627576-C-A. GRCh37 (hg19) VCF-style: chr7-100225199-C-A.
Other names: c.1254+1G>T (NM_001206855.3).
Identifiers: ClinVar variation 1065995 (VCV001065995.10), dbSNP rs2131312371, ClinGen allele CA368525704.

ClinVar aggregate classification (germline): Likely pathogenic. Review status: criteria provided, multiple submitters, no conflicts (2 of 4 stars). 3 submissions from 3 submitters: Likely pathogenic (3). Last evaluated 2024-03-16.

Conditions:
Hemochromatosis type 3 (HFE3). Also called: Hereditary hemochromatosis type 3; HEMOCHROMATOSIS DUE TO DEFECT IN TRANSFERRIN RECEPTOR 2; TFR2-Related Hemochromatosis. Identifiers: Orphanet 225123, MedGen C1858664, MONDO:0011417, OMIM 604250.
Hereditary hemochromatosis (HFE). Identifiers: MedGen C0392514, MONDO:0006507. Disease mechanism: loss of function.

gnomAD v4.1: 1 of 1,614,154 alleles (0.000062%); no homozygotes.

Submissions (3):

Fulgent Genetics
Classification: Likely pathogenic for Hemochromatosis type 3. Last evaluated: 2024-03-16. Review status: criteria provided, single submitter. Criteria: ACMG Guidelines, 2015. Collection method: clinical testing. Allele origin: germline.

Baylor Genetics
Classification: Likely pathogenic for Hemochromatosis type 3. Last evaluated: 2024-03-03. Review status: criteria provided, single submitter. Criteria: ACMG Guidelines, 2015. Collection method: clinical testing. Allele origin: unknown.

Labcorp Genetics (formerly Invitae), Labcorp
Classification: Likely pathogenic for Hereditary hemochromatosis. Last evaluated: 2020-08-10. Review status: criteria provided, single submitter. Criteria: Invitae Variant Classification Sherloc (09022015). Collection method: clinical testing. Allele origin: germline.
Comment: This sequence change affects a donor splice site in intron 15 of the TFR2 gene. It is expected to disrupt RNA splicing and likely results in an absent or disrupted protein product. This variant is not present in population databases (ExAC no frequency). This variant has not been reported in the literature in individuals with TFR2-related conditions. Algorithms developed to predict the effect of sequence changes on RNA splicing suggest that this variant may disrupt the consensus splice site, but this prediction has not been confirmed by published transcriptional studies. Donor and acceptor splice site variants typically lead to a loss of protein function (PMID: 16199547), and loss-of-function variants in TFR2 are known to be pathogenic (PMID: 23600741, 26029709). In summary, the currently available evidence indicates that the variant is pathogenic, but additional data are needed to prove that conclusively. Therefore, this variant has been classified as Likely Pathogenic.

Literature cited by the submitters: PubMed 16199547 (cited by Labcorp Genetics (formerly Invitae), Labcorp); PubMed 23600741 (cited by Labcorp Genetics (formerly Invitae), Labcorp); PubMed 26029709 (cited by Labcorp Genetics (formerly Invitae), Labcorp).